The following is an entry in ClinVar:

NM_032608.7(MYO18B):c.4639C>G (p.Leu1547Val)

Genes: MYO18B (myosin XVIIIB; plus strand), MYO18B-AS1 (MYO18B antisense RNA 1; minus strand). Cytogenetic location: 22q12.1.
Variant type: single nucleotide variant.
Coding change: c.4639C>G on transcript NM_032608.7 (MANE Select); coding-DNA position 4639, C replaced by G.
Protein change: p.Leu1547Val; replaces leucine 1547 with valine.
Molecular consequence: missense variant.
Genome position (GRCh38, 1-based): chr22:25,895,251, C>G. VCF-style: chr22-25895251-C-G. GRCh37 (hg19) VCF-style: chr22-26291218-C-G.
Other names: c.4639C>G (NM_032608.5); c.4642C>G, p.Leu1548Val (NM_001318245.2); short protein forms L1547V, L1548V.
Identifiers: ClinVar variation 1352302 (VCV001352302.7), dbSNP rs1248489403, ClinGen allele CA411010256.

ClinVar aggregate classification (germline): Uncertain significance. Review status: criteria provided, multiple submitters, no conflicts (2 of 4 stars). 2 submissions from 2 submitters: Uncertain significance (2). Last evaluated 2025-06-18.

Conditions:
Inborn genetic diseases. Identifiers: MedGen C0950123, MeSH D030342.

Allele frequency attached by ClinVar (database versions not stated): gnomAD exomes below 0.00001; gnomAD 0.00001; TOPMed 0.00001.
gnomAD v4.1: 3 of 1,605,188 alleles (0.00019%); highest among the groups gnomAD compares: South Asian, 0.0011%; no homozygotes.

Submissions (2):

Ambry Genetics
Classification: Uncertain significance for Inborn genetic diseases. Last evaluated: 2025-06-18. Review status: criteria provided, single submitter. Criteria: Ambry Variant Classification Scheme 2023. Collection method: clinical testing. Allele origin: germline.

Labcorp Genetics (formerly Invitae), Labcorp
Classification: Uncertain significance. Last evaluated: 2021-10-27. Review status: criteria provided, single submitter. Criteria: Invitae Variant Classification Sherloc (09022015). Collection method: clinical testing. Allele origin: germline.
Comment: In summary, the available evidence is currently insufficient to determine the role of this variant in disease. Therefore, it has been classified as a Variant of Uncertain Significance. Algorithms developed to predict the effect of missense changes on protein structure and function are either unavailable or do not agree on the potential impact of this missense change (SIFT: "Not Available"; PolyPhen-2: "Possibly Damaging"; Align-GVGD: "Not Available"). This variant has not been reported in the literature in individuals affected with MYO18B-related conditions. This variant is present in population databases (no rsID available, gnomAD 0.004%). This sequence change replaces leucine, a(n) neutral and non-polar amino acid, with valine, a(n) neutral and non-polar amino acid, at codon 1547 of the MYO18B protein (p.Leu1547Val).